The following is an entry in ClinVar:

ClinVar aggregate classification (germline): Uncertain significance (1 of 4 stars; one submission).

gnomAD v4.1: 2 of 1,605,740 alleles (0.00012%); highest among the groups gnomAD compares: Non-Finnish European, 0.00017%; no homozygotes.

Submission:

Women's Health and Genetics/Laboratory Corporation of America, LabCorp
Classification: Uncertain significance. Last evaluated: 2025-10-09. Review status: criteria provided, single submitter. Criteria: LabCorp Variant Classification Summary - May 2015. Collection method: clinical testing. Allele origin: germline.
Comment: Variant summary: TNXB c.890G>A (p.Cys297Tyr) results in a non-conservative amino acid change in the encoded protein sequence. Algorithms developed to predict the effect of missense changes on protein structure and function all suggest that this variant is likely to be disruptive. The variant was absent in 247460 control chromosomes. The available data on variant occurrences in the general population are insufficient to allow any conclusion about variant significance. To our knowledge, no occurrence of c.890G>A in individuals affected with TNXB-related conditions and no experimental evidence demonstrating its impact on protein function have been reported. No submitters have cited clinical-significance assessments for this variant to ClinVar. Based on the evidence outlined above, the variant was classified as uncertain significance.

NM_001365276.2(TNXB):c.890G>A (p.Cys297Tyr)

Gene: TNXB (tenascin XB; minus strand). Cytogenetic location: 6p21.33.
Variant type: single nucleotide variant.
Coding change: c.890G>A on transcript NM_001365276.2 (MANE Select); coding-DNA position 890, G replaced by A.
Protein change: p.Cys297Tyr; replaces cysteine 297 with tyrosine.
Molecular consequence: missense variant.
Genome position (GRCh38, 1-based): chr6:32,096,963, C>T on the plus strand (G>A on the coding strand, the complement: TNXB is on the minus strand). VCF-style: chr6-32096963-C-T. GRCh37 (hg19) VCF-style: chr6-32064740-C-T.
Other names: c.890G>A, p.Cys297Tyr (NM_001428335.1, NM_019105.8); short protein forms C297Y.
Identifiers: ClinVar variation 4687423 (VCV004687423.1).
Genomic context (GRCh38, chr6:32,096,963, plus strand): 5'-TGGCTGCAGCCCCGAGGGCAGCTCCTCACCCCACAGTCCTCGCCAGTGTAGCCGGGGTTA[C>T]ACACGCAGCGCCCATTCTCACAGCGCCCCCTCTGACTGCAACCGCGAGGGCAGCTCCTCA-3'
Protein context (NP_001352205.1, residues 287-307): RGRCENGRCV[Cys297Tyr]NPGYTGEDCG